The following is an entry in ClinVar:

NM_001018005.2(TPM1):c.114+6C>G

Gene: TPM1 (tropomyosin 1; plus strand). Cytogenetic location: 15q22.2.
Variant type: single nucleotide variant.
Coding change: c.114+6C>G on transcript NM_001018005.2 (MANE Select); 6 bases into the intron after coding-DNA position 114, C replaced by G.
Molecular consequence: intron variant.
Genome position (GRCh38, 1-based): chr15:63,042,949, C>G. VCF-style: chr15-63042949-C-G. GRCh37 (hg19) VCF-style: chr15-63335148-C-G.
Other names: c.114+6C>G (NM_001365778.1, NM_001018020.2, NM_001018007.2 and 7 more transcripts).
Identifiers: ClinVar variation 2418493 (VCV002418493.6), dbSNP rs1172117806, ClinGen allele CA2580089840.

ClinVar aggregate classification (germline): Uncertain significance. Review status: criteria provided, multiple submitters, no conflicts (2 of 4 stars). 2 submissions from 2 submitters: Uncertain significance (2). Last evaluated 2025-07-28.

Conditions:
Hypertrophic cardiomyopathy. Also called: HYPERTROPHIC MYOCARDIOPATHY. Identifiers: Orphanet 217569, MedGen C0007194, MeSH D002312, MONDO:0005045, HP:0001639.
Cardiomyopathy (CMYO). Also called: Cardiomyopathies. Identifiers: Orphanet 167848, MedGen C0878544, MONDO:0004994, HP:0001638. Inheritance: Various modes of inheritance.

Submissions (2):

Color Diagnostics, LLC DBA Color Health
Classification: Uncertain significance for Cardiomyopathy. Last evaluated: 2025-07-28. Review status: criteria provided, single submitter. Criteria: ACMG Guidelines, 2015. Collection method: clinical testing. Allele origin: germline.
Comment: This variant causes a C to G nucleotide substitution at the +6 position of intron 1/9 of the TPM1 gene. To our knowledge, functional studies have not been reported for this variant. This variant has not been reported in individuals affected with TPM1-related disorders in the literature. This variant has not been identified in the general population by the Genome Aggregation Database (gnomAD). The available evidence is insufficient to determine the role of this variant in disease conclusively. Therefore, this variant is classified as a Variant of Uncertain Significance.

Labcorp Genetics (formerly Invitae), Labcorp
Classification: Uncertain significance for Hypertrophic cardiomyopathy. Last evaluated: 2022-02-12. Review status: criteria provided, single submitter. Criteria: Invitae Variant Classification Sherloc (09022015). Collection method: clinical testing. Allele origin: germline.
Comment: Variants that disrupt the consensus splice site are a relatively common cause of aberrant splicing (PMID: 17576681, 9536098). Algorithms developed to predict the effect of sequence changes on RNA splicing suggest that this variant is not likely to affect RNA splicing. In summary, the available evidence is currently insufficient to determine the role of this variant in disease. Therefore, it has been classified as a Variant of Uncertain Significance. This variant has not been reported in the literature in individuals affected with TPM1-related conditions. This sequence change falls in intron 1 of the TPM1 gene. It does not directly change the encoded amino acid sequence of the TPM1 protein. It affects a nucleotide within the consensus splice site. This variant is not present in population databases (gnomAD no frequency).

Literature cited by the submitters: PubMed 17576681 (cited by Labcorp Genetics (formerly Invitae), Labcorp); PubMed 9536098 (cited by Labcorp Genetics (formerly Invitae), Labcorp).